The following is an entry in ClinVar:

ClinVar aggregate classification (germline): Uncertain significance (1 of 4 stars; one submission).

Conditions:
Congenital muscular dystrophy due to integrin alpha-7 deficiency. Also called: MYOPATHY, CONGENITAL, DUE TO INTEGRIN ALPHA-7 DEFICIENCY; Congenital muscular dystrophy with integrin alpha-7 deficiency; Muscular dystrophy, congenital, due to ITGA7 deficiency. Identifiers: Orphanet 34520, MedGen C2750786, MONDO:0013177, OMIM 613204.

Allele frequency attached by ClinVar (database versions not stated): gnomAD 0.00002; gnomAD exomes 0.00002 and 0.00003; TOPMed 0.00003; ExAC 0.00004.
gnomAD v4.1: 33 of 1,613,584 alleles (0.002%); highest among the groups gnomAD compares: Non-Finnish European, 0.0021%; no homozygotes.

Submission:

Labcorp Genetics (formerly Invitae), Labcorp
Classification: Uncertain significance for Congenital muscular dystrophy due to integrin alpha-7 deficiency. Last evaluated: 2024-10-10. Review status: criteria provided, single submitter. Criteria: Invitae Variant Classification Sherloc (09022015). Collection method: clinical testing. Allele origin: germline.
Comment: This sequence change replaces arginine, which is basic and polar, with glutamine, which is neutral and polar, at codon 60 of the ITGA7 protein (p.Arg60Gln). This variant is present in population databases (rs750920890, gnomAD 0.04%). This variant has not been reported in the literature in individuals affected with ITGA7-related conditions. ClinVar contains an entry for this variant (Variation ID: 848720). Invitae Evidence Modeling of protein sequence and biophysical properties (such as structural, functional, and spatial information, amino acid conservation, physicochemical variation, residue mobility, and thermodynamic stability) indicates that this missense variant is not expected to disrupt ITGA7 protein function with a negative predictive value of 80%. In summary, the available evidence is currently insufficient to determine the role of this variant in disease. Therefore, it has been classified as a Variant of Uncertain Significance.

NM_002206.3(ITGA7):c.179G>A (p.Arg60Gln)

Gene: ITGA7 (integrin subunit alpha 7; minus strand). Cytogenetic location: 12q13.2.
Variant type: single nucleotide variant.
Coding change: c.179G>A on transcript NM_002206.3 (MANE Select); coding-DNA position 179, G replaced by A.
Protein change: p.Arg60Gln; replaces arginine 60 with glutamine.
Molecular consequence: missense variant. On other transcripts: 5 prime UTR variant (1), intron variant (3).
Genome position (GRCh38, 1-based): chr12:55,707,504, C>T on the plus strand (G>A on the coding strand, the complement: ITGA7 is on the minus strand). VCF-style: chr12-55707504-C-T. GRCh37 (hg19) VCF-style: chr12-56101288-C-T.
Other names: c.179G>A, p.Arg60Gln (NM_001144996.2, NM_001374465.1, NM_001410977.1 and 6 more transcripts); c.-994G>A (NM_001367994.1); c.85+4559G>A (NM_001144997.2); c.-133-4326G>A (NM_001367993.1, NM_001414035.1); short protein forms R60Q.
Identifiers: ClinVar variation 848720 (VCV000848720.10), dbSNP rs750920890, ClinGen allele CA6616442.